The following is an entry in ClinVar:

ClinVar aggregate classification (germline): Uncertain significance. Review status: criteria provided, multiple submitters, no conflicts (2 of 4 stars). 2 submissions from 2 submitters: Uncertain significance (2). Last evaluated 2022-12-22.

Conditions:
RASopathy. Also called: rasopathies; Noonan spectrum disorder. Identifiers: Orphanet 536391, MedGen C5555857, MONDO:0021060.

Submissions (2):

GeneDx
Classification: Uncertain significance. Last evaluated: 2022-12-22. Review status: criteria provided, single submitter. Criteria: GeneDx Variant Classification Process June 2021. Collection method: clinical testing. Allele origin: germline. Affected: yes.
Comment: In silico analysis supports that this missense variant does not alter protein structure/function; Has not been previously published as pathogenic or benign to our knowledge

Labcorp Genetics (formerly Invitae), Labcorp
Classification: Uncertain significance for RASopathy. Last evaluated: 2022-07-22. Review status: criteria provided, single submitter. Criteria: Invitae Variant Classification Sherloc (09022015). Collection method: clinical testing. Allele origin: germline.
Comment: In summary, the available evidence is currently insufficient to determine the role of this variant in disease. Therefore, it has been classified as a Variant of Uncertain Significance. Advanced modeling of protein sequence and biophysical properties (such as structural, functional, and spatial information, amino acid conservation, physicochemical variation, residue mobility, and thermodynamic stability) performed at Invitae indicates that this missense variant is not expected to disrupt CBL protein function. This variant has not been reported in the literature in individuals affected with CBL-related conditions. This variant is present in population databases (no rsID available, gnomAD 0.007%). This sequence change replaces asparagine, which is neutral and polar, with serine, which is neutral and polar, at codon 313 of the CBL protein (p.Asn313Ser).

NM_005188.4(CBL):c.938A>G (p.Asn313Ser)

Gene: CBL (Cbl proto-oncogene; plus strand). Cytogenetic location: 11q23.3.
Variant type: single nucleotide variant.
Coding change: c.938A>G on transcript NM_005188.4 (MANE Select); coding-DNA position 938, A replaced by G.
Protein change: p.Asn313Ser; replaces asparagine 313 with serine.
Molecular consequence: missense variant.
Genome position (GRCh38, 1-based): chr11:119,276,065, A>G. VCF-style: chr11-119276065-A-G. GRCh37 (hg19) VCF-style: chr11-119146775-A-G.
Other names: c.938A>G (NM_005188.2); short protein forms N313S.
Identifiers: ClinVar variation 2118691 (VCV002118691.5), dbSNP rs1268883034, ClinGen allele CA382911479.